The following is an entry in ClinVar:

NM_001371596.2(MFSD8):c.103C>T (p.Arg35Ter)

Gene: MFSD8 (major facilitator superfamily domain containing 8; minus strand). Cytogenetic location: 4q28.2.
Variant type: single nucleotide variant.
Coding change: c.103C>T on transcript NM_001371596.2 (MANE Select); coding-DNA position 103, C replaced by T.
Protein change: p.Arg35Ter; replaces arginine 35 with a stop codon.
Molecular consequence: nonsense. On other transcripts: 5 prime UTR variant (1).
Genome position (GRCh38, 1-based): chr4:127,957,552, G>A on the plus strand (C>T on the coding strand, the complement: MFSD8 is on the minus strand). VCF-style: chr4-127957552-G-A. GRCh37 (hg19) VCF-style: chr4-128878707-G-A.
Other names: c.103C>T, p.Arg35Ter (NM_001363520.3, NM_001363521.3, NM_001371591.2 and 5 more transcripts); c.-33C>T (NM_001371590.2, NM_001371595.1, NM_001410765.1); short protein forms R35*.
Identifiers: ClinVar variation 846459 (VCV000846459.17), dbSNP rs749315686, ClinGen allele CA3077573.
Genomic context (GRCh38, chr4:127,957,552, plus strand): 5'-AATACTTACCTACACTGCTGAGAAACATAGTAAGATATAAAATCCTAATAGATCTCCATC[G>A]GCTCTTATAATGCTCTTCAGTCTCTAAAATGTCCCATTCTCTAGGTGTAAAGAAGAAAAA-3'

ClinVar aggregate classification (germline): Pathogenic. Review status: criteria provided, multiple submitters, no conflicts (2 of 4 stars). 7 submissions from 7 submitters: Pathogenic (7). Last evaluated 2025-10-10.

Conditions:
Neuronal ceroid lipofuscinosis 7 (CLN7). Also called: MFSD8-Related Neuronal Ceroid-Lipofuscinosis. Identifiers: Orphanet 168491, Orphanet 228366, MedGen C1838571, MONDO:0012588, OMIM 610951.
Macular dystrophy with central cone involvement (CCMD). Identifiers: MedGen C4015371, MONDO:0014515, OMIM 616170.
MFSD8-related disorders.
Late-infantile neuronal ceroid lipofuscinosis. Also called: Jansky-Bielschowsky disease. Identifiers: MedGen C0022340, MONDO:0015674.

Allele frequency attached by ClinVar (database versions not stated): ExAC 0.00001; gnomAD exomes 0.00001.

Submissions (7):

Natera, Inc.
Classification: Pathogenic for Late-infantile neuronal ceroid lipofuscinosis. Last evaluated: 2025-10-10. Review status: criteria provided, single submitter. Criteria: Natera Variant Classification Schema (03/2026). Collection method: clinical testing. Allele origin: germline.
Comment: The c.103C>T variant in MFSD8 is a nonsense variant predicted to introduce a stop codon at amino acid 35. This variant is expected to result in nonsense mediated decay, truncation, or a dysfunctional protein product. This variant is rare in the general population with a frequency below the threshold expected for the associated phenotype(s). This variant has been observed in one or more individuals affected with the associated recessive disease, as either homozygous or compound heterozygous with a second variant (PMID: 19201763). Given the available evidence, this variant is classified as Pathogenic.

Labcorp Genetics (formerly Invitae), Labcorp
Classification: Pathogenic for Neuronal ceroid lipofuscinosis 7. Last evaluated: 2024-12-16. Review status: criteria provided, single submitter. Criteria: Invitae Variant Classification Sherloc (09022015). Collection method: clinical testing. Allele origin: germline.
Comment: This sequence change creates a premature translational stop signal (p.Arg35*) in the MFSD8 gene. It is expected to result in an absent or disrupted protein product. Loss-of-function variants in MFSD8 are known to be pathogenic (PMID: 19177532, 25227500, 28586915). This variant is present in population databases (rs749315686, gnomAD 0.002%). This premature translational stop signal has been observed in individual(s) with clinical features of neuronal ceroid lipofuscinosis and macular dystrophy (PMID: 19177532, 28586915). ClinVar contains an entry for this variant (Variation ID: 846459). For these reasons, this variant has been classified as Pathogenic.

De Paul lab, Instituto de Investigacion En Ciencias de La Salud , Consejo Nacional de Investigaciones Cientificas y Tecnicas
Classification: Pathogenic for Neuronal ceroid lipofuscinosis 7. Last evaluated: 2024-08-01. Review status: criteria provided, single submitter. Criteria: ACMG Guidelines, 2015. Collection method: clinical testing. Allele origin: inherited. Inheritance: Autosomal recessive inheritance. Affected: yes. Observed: 3 variant alleles, 1 compound heterozygote, 2 homozygotes.

Genomic Medicine Center of Excellence, King Faisal Specialist Hospital and Research Centre
Classification: Pathogenic for Neuronal ceroid lipofuscinosis 7. Last evaluated: 2024-03-14. Review status: criteria provided, single submitter. Criteria: ACMG Guidelines, 2015. Collection method: research. Allele origin: germline.

Fulgent Genetics
Classification: Pathogenic for Neuronal ceroid lipofuscinosis 7; Macular dystrophy with central cone involvement. Last evaluated: 2021-12-07. Review status: criteria provided, single submitter. Criteria: ACMG Guidelines, 2015. Collection method: clinical testing. Allele origin: unknown.

Blueprint Genetics
Classification: Pathogenic for MFSD8-related disorders. Last evaluated: 2021-07-15. Review status: criteria provided, single submitter. Criteria: ACMG Guidelines, 2015. Collection method: clinical testing. Allele origin: germline. Affected: yes. Observed: 1 variant allele.

Kariminejad - Najmabadi Pathology & Genetics Center
Classification: Pathogenic for Neuronal ceroid lipofuscinosis 7. Review status: criteria provided, single submitter. Criteria: ACMG Guidelines, 2015. Collection method: clinical testing. Allele origin: germline. Affected: no.

Literature cited by the submitters: PubMed 19201763 (cited by Natera, Inc.); PubMed 19177532 (cited by Labcorp Genetics (formerly Invitae), Labcorp); PubMed 25227500 (cited by Labcorp Genetics (formerly Invitae), Labcorp); PubMed 28586915 (cited by Labcorp Genetics (formerly Invitae), Labcorp).